The following is an entry in ClinVar:

ClinVar aggregate classification (germline): Uncertain significance (1 of 4 stars; one submission).

Allele frequency attached by ClinVar (database versions not stated): gnomAD exomes 0.00001; TOPMed 0.00004; ESP Exome Variant Server 0.00008; 1000 Genomes Project 30x 0.00031.
gnomAD v4.1: 14 of 1,613,604 alleles (0.00087%); highest among the groups gnomAD compares: Middle Eastern, 0.017%; no homozygotes.

Submission:

Labcorp Genetics (formerly Invitae), Labcorp
Classification: Uncertain significance. Last evaluated: 2024-02-17. Review status: criteria provided, single submitter. Criteria: Invitae Variant Classification Sherloc (09022015). Collection method: clinical testing. Allele origin: germline.
Comment: This sequence change replaces alanine, which is neutral and non-polar, with threonine, which is neutral and polar, at codon 20 of the ARHGEF1 protein (p.Ala20Thr). This variant is present in population databases (rs150821873, gnomAD 0.01%). This variant has not been reported in the literature in individuals affected with ARHGEF1-related conditions. ClinVar contains an entry for this variant (Variation ID: 1480892). Algorithms developed to predict the effect of missense changes on protein structure and function output the following: SIFT: "Not Available"; PolyPhen-2: "Benign"; Align-GVGD: "Not Available". The threonine amino acid residue is found in multiple mammalian species, which suggests that this missense change does not adversely affect protein function. In summary, the available evidence is currently insufficient to determine the role of this variant in disease. Therefore, it has been classified as a Variant of Uncertain Significance.

NM_004706.4(ARHGEF1):c.13G>A (p.Ala5Thr)

Gene: ARHGEF1 (Rho guanine nucleotide exchange factor 1; plus strand). Cytogenetic location: 19q13.2.
Variant type: single nucleotide variant.
Coding change: c.13G>A on transcript NM_004706.4 (MANE Select); coding-DNA position 13, G replaced by A.
Protein change: p.Ala5Thr; replaces alanine 5 with threonine.
Molecular consequence: missense variant.
Genome position (GRCh38, 1-based): chr19:41,888,095, G>A. VCF-style: chr19-41888095-G-A. GRCh37 (hg19) VCF-style: chr19-42392166-G-A.
Other names: c.13G>A, p.Ala5Thr (NM_198977.2); c.58G>A, p.Ala20Thr (NM_199002.2); short protein forms A20T, A5T.
Identifiers: ClinVar variation 1480892 (VCV001480892.6), dbSNP rs150821873, ClinGen allele CA9465738.